The following is an entry in ClinVar:

NM_000256.3(MYBPC3):c.1791-15A>G

Gene: MYBPC3 (myosin binding protein C3; minus strand). Cytogenetic location: 11p11.2.
Variant type: single nucleotide variant.
Coding change: c.1791-15A>G on transcript NM_000256.3 (MANE Select); 15 bases into the intron before coding-DNA position 1791, A replaced by G.
Molecular consequence: intron variant.
Genome position (GRCh38, 1-based): chr11:47,341,259, T>C on the plus strand (A>G on the coding strand, the complement: MYBPC3 is on the minus strand). VCF-style: chr11-47341259-T-C. GRCh37 (hg19) VCF-style: chr11-47362810-T-C.
Identifiers: ClinVar variation 3070853 (VCV003070853.1), dbSNP rs786204343, ClinGen allele CA011146.

ClinVar aggregate classification (germline): Likely benign (1 of 4 stars; one submission).

Conditions:
Hypertrophic cardiomyopathy. Also called: HYPERTROPHIC MYOCARDIOPATHY. Identifiers: Orphanet 217569, MedGen C0007194, MeSH D002312, MONDO:0005045, HP:0001639.

Submission:

All of Us Research Program, National Institutes of Health
Classification: Likely benign for Hypertrophic cardiomyopathy. Last evaluated: 2023-05-04. Review status: criteria provided, single submitter. Criteria: ACMG Guidelines, 2015. Collection method: clinical testing. Allele origin: germline. Inheritance: Autosomal dominant inheritance. Observed: 1 variant allele, 1 heterozygote.
Comment: This study involves interpretation of variants in research participants for the purpose of population health screening. Participant phenotype was not available at the time of variant classification. Additional details can be found in publication PMID: 35346344, PMCID: PMC8962531